The following is an entry in ClinVar:

ClinVar aggregate classification (germline): Likely pathogenic (1 of 4 stars; one submission).

Conditions:
Fanconi anemia (FA). Also called: Fanconi's anemia. Identifiers: Orphanet 84, MedGen C0015625, MeSH D005199, MONDO:0019391.

Submission:

Labcorp Genetics (formerly Invitae), Labcorp
Classification: Likely pathogenic for Fanconi anemia. Last evaluated: 2019-04-11. Review status: criteria provided, single submitter. Criteria: Invitae Variant Classification Sherloc (09022015). Collection method: clinical testing. Allele origin: germline.
Comment: This variant is not present in population databases (ExAC no frequency). This sequence change affects an acceptor splice site in intron 32 of the FANCA gene. It is expected to disrupt RNA splicing and likely results in an absent or disrupted protein product. This variant has been observed in an individual affected with Fanconi anemia (PMID: 15643609). Algorithms developed to predict the effect of sequence changes on RNA splicing suggest that this variant may disrupt the consensus splice site, but this prediction has not been confirmed by published transcriptional studies. Donor and acceptor splice site variants typically lead to a loss of protein function (PMID: 16199547), and loss-of-function variants in FANCA are known to be pathogenic (PMID: 19367192). In summary, the currently available evidence indicates that the variant is pathogenic, but additional data are needed to prove that conclusively. Therefore, this variant has been classified as Likely Pathogenic.

Literature cited by the submitters: PubMed 15643609; PubMed 16199547; PubMed 19367192.

NM_000135.4(FANCA):c.3240-1G>A

Gene: FANCA (FA complementation group A; minus strand). Cytogenetic location: 16q24.3.
Variant type: single nucleotide variant.
Coding change: c.3240-1G>A on transcript NM_000135.4 (MANE Select); the canonical splice acceptor site of the intron before coding-DNA position 3240, G replaced by A.
Molecular consequence: splice acceptor variant.
Genome position (GRCh38, 1-based): chr16:89,748,768, C>T on the plus strand (G>A on the coding strand, the complement: FANCA is on the minus strand). VCF-style: chr16-89748768-C-T. GRCh37 (hg19) VCF-style: chr16-89815176-C-T.
Other names: c.3240-1G>A (NM_001286167.3).
Identifiers: ClinVar variation 847757 (VCV000847757.10), dbSNP rs2038478071, ClinGen allele CA397486406.
Genomic context (GRCh38, chr16:89,748,768, plus strand): 5'-GGCTGTTCTGCCTGGAAGCTGCTGCCGCAGAGGACAGACGAAGGCAGGCGGAGGAGGATC[C>T]TGGAAAGAAGGGGCTGTATTGGTGGCGACAGCACAGCGTACACTCTGCTCCTTCCCAAGG-3'